The following is an entry in ClinVar:

ClinVar aggregate classification (germline): Uncertain significance. Review status: criteria provided, multiple submitters, no conflicts (2 of 4 stars). 2 submissions from 2 submitters: Uncertain significance (2). Last evaluated 2021-08-31.

Allele frequency attached by ClinVar (database versions not stated): gnomAD exomes below 0.00001.
gnomAD v4.1: 6 of 1,614,088 alleles (0.00037%); highest among the groups gnomAD compares: East Asian, 0.0022%; no homozygotes.

Submissions (2):

Blueprint Genetics
Classification: Uncertain significance. Last evaluated: 2021-08-31. Review status: criteria provided, single submitter. Criteria: ACMG Guidelines, 2015. Collection method: clinical testing. Allele origin: germline.

Labcorp Genetics (formerly Invitae), Labcorp
Classification: Uncertain significance. Last evaluated: 2020-02-02. Review status: criteria provided, single submitter. Criteria: Invitae Variant Classification Sherloc (09022015). Collection method: clinical testing. Allele origin: germline.
Comment: In summary, the available evidence is currently insufficient to determine the role of this variant in disease. Therefore, it has been classified as a Variant of Uncertain Significance. Algorithms developed to predict the effect of missense changes on protein structure and function are either unavailable or do not agree on the potential impact of this missense change (SIFT: "Deleterious"; PolyPhen-2: "Probably Damaging"; Align-GVGD: "Class C0"). This variant has not been reported in the literature in individuals with LRIT3-related conditions. This variant is not present in population databases (ExAC no frequency). This sequence change replaces alanine with threonine at codon 552 of the LRIT3 protein (p.Ala552Thr). The alanine residue is highly conserved and there is a small physicochemical difference between alanine and threonine.

NM_198506.5(LRIT3):c.1654G>A (p.Ala552Thr)

Gene: LRIT3 (leucine rich repeat, Ig-like and transmembrane domains 3; plus strand). Cytogenetic location: 4q25.
Variant type: single nucleotide variant.
Coding change: c.1654G>A on transcript NM_198506.5 (MANE Select); coding-DNA position 1654, G replaced by A.
Protein change: p.Ala552Thr; replaces alanine 552 with threonine.
Molecular consequence: missense variant.
Genome position (GRCh38, 1-based): chr4:109,870,403, G>A. VCF-style: chr4-109870403-G-A. GRCh37 (hg19) VCF-style: chr4-110791559-G-A.
Other names: short protein forms A552T.
Identifiers: ClinVar variation 1035970 (VCV001035970.6), dbSNP rs1734802589, ClinGen allele CA357872389.